The following is an entry in ClinVar:

NM_001035.3(RYR2):c.13924A>G (p.Asn4642Asp)

Gene: RYR2 (ryanodine receptor 2; plus strand). Cytogenetic location: 1q43.
Variant type: single nucleotide variant.
Coding change: c.13924A>G on transcript NM_001035.3 (MANE Select); coding-DNA position 13924, A replaced by G.
Protein change: p.Asn4642Asp; replaces asparagine 4642 with aspartic acid.
Molecular consequence: missense variant.
Genome position (GRCh38, 1-based): chr1:237,795,299, A>G. VCF-style: chr1-237795299-A-G. GRCh37 (hg19) VCF-style: chr1-237958599-A-G.
Other names: c.13924A>G (NM_001035.2); short protein forms N4642D.
Identifiers: ClinVar variation 1345056 (VCV001345056.12), dbSNP rs865812612, ClinGen allele CA39834212.

ClinVar aggregate classification (germline): Uncertain significance. Review status: criteria provided, multiple submitters, no conflicts (2 of 4 stars). 2 submissions from 2 submitters: Uncertain significance (2). Last evaluated 2025-01-16.

Conditions:
Cardiovascular phenotype. Identifiers: MedGen CN230736.
Catecholaminergic polymorphic ventricular tachycardia 1. Also called: VENTRICULAR TACHYCARDIA, CATECHOLAMINERGIC POLYMORPHIC, 1, WITH OR WITHOUT ATRIAL DYSFUNCTION AND/OR DILATED CARDIOMYOPATHY; VENTRICULAR TACHYCARDIA, STRESS-INDUCED POLYMORPHIC 1; RYR2-Related Catecholaminergic Polymorphic Ventricular Tachycardia. Identifiers: Orphanet 3286, MedGen C1631597, MONDO:0011484, OMIM 604772.

Submissions (2):

Ambry Genetics
Classification: Uncertain significance for Cardiovascular phenotype. Last evaluated: 2025-01-16. Review status: criteria provided, single submitter. Criteria: Ambry Variant Classification Scheme 2023. Collection method: clinical testing. Allele origin: germline.
Comment: The p.N4642D variant (also known as c.13924A>G), located in coding exon 96 of the RYR2 gene, results from an A to G substitution at nucleotide position 13924. The asparagine at codon 4642 is replaced by aspartic acid, an amino acid with highly similar properties. This amino acid position is highly conserved in available vertebrate species. In addition, the in silico prediction for this alteration is inconclusive. Based on the available evidence, the clinical significance of this variant remains unclear.

Labcorp Genetics (formerly Invitae), Labcorp
Classification: Uncertain significance for Catecholaminergic polymorphic ventricular tachycardia 1. Last evaluated: 2022-10-21. Review status: criteria provided, single submitter. Criteria: Invitae Variant Classification Sherloc (09022015). Collection method: clinical testing. Allele origin: germline.
Comment: This sequence change replaces asparagine, which is neutral and polar, with aspartic acid, which is acidic and polar, at codon 4642 of the RYR2 protein (p.Asn4642Asp). This variant is not present in population databases (gnomAD no frequency). This variant has not been reported in the literature in individuals affected with RYR2-related conditions. ClinVar contains an entry for this variant (Variation ID: 1345056). Advanced modeling of protein sequence and biophysical properties (such as structural, functional, and spatial information, amino acid conservation, physicochemical variation, residue mobility, and thermodynamic stability) performed at Invitae indicates that this missense variant is not expected to disrupt RYR2 protein function. In summary, the available evidence is currently insufficient to determine the role of this variant in disease. Therefore, it has been classified as a Variant of Uncertain Significance.